The following is an entry in ClinVar:

ClinVar aggregate classification (germline): Likely benign (1 of 4 stars; one submission).

gnomAD v4.1: 419 of 1,613,948 alleles (0.026%); highest among the groups gnomAD compares: African/African-American, 0.49%; 1 homozygote.

Submission:

CeGaT Center for Human Genetics Tuebingen
Classification: Likely benign. Last evaluated: 2026-09-01. Review status: criteria provided, single submitter. Criteria: CeGaT Center For Human Genetics Tuebingen Variant Classification Criteria Version 2. Collection method: clinical testing. Allele origin: germline. Affected: yes. Observed: 1 variant allele.
Comment: LGI3: BP4, BP7

NM_139278.4(LGI3):c.318C>T (p.Asn106=)

Gene: LGI3 (leucine rich repeat LGI family member 3; minus strand). Cytogenetic location: 8p21.3.
Variant type: single nucleotide variant.
Coding change: c.318C>T on transcript NM_139278.4 (MANE Select); coding-DNA position 318, C replaced by T.
Protein change: p.Asn106=; no amino-acid change (asparagine 106 retained).
Molecular consequence: synonymous variant.
Genome position (GRCh38, 1-based): chr8:22,154,592, G>A on the plus strand (C>T on the coding strand, the complement: LGI3 is on the minus strand). VCF-style: chr8-22154592-G-A. GRCh37 (hg19) VCF-style: chr8-22012105-G-A.
Identifiers: ClinVar variation 5040938 (VCV005040938.1).
Genomic context (GRCh38, chr8:22,154,592, plus strand): 5'-TCCCATTGCCCCTTTCCCTCCCACACACAGATACTGCAGGTGCGACAGTCCTGTGAAGGC[G>A]TTGTCTCCAATCAGTGTAAACTTGTTGGAGTTGAGTAACCTGCAGAGACAAAGGTGGAAT-3'
Protein context (NP_644807.1, residues 96-116): NSNKFTLIGD[Asn106=]AFTGLSHLQY